The following is an entry in ClinVar:

ClinVar aggregate classification (germline): Uncertain significance (1 of 4 stars; one submission).

Submission:

Labcorp Genetics (formerly Invitae), Labcorp
Classification: Uncertain significance. Last evaluated: 2025-12-08. Review status: criteria provided, single submitter. Criteria: Invitae Variant Classification Sherloc (09022015). Collection method: clinical testing. Allele origin: germline.
Comment: This sequence change replaces glutamine, which is neutral and polar, with arginine, which is basic and polar, at codon 876 of the FUK protein (p.Gln876Arg). This variant is not present in population databases (gnomAD no frequency). This variant has not been reported in the literature in individuals affected with FUK-related conditions. ClinVar contains an entry for this variant (Variation ID: 2047391). An algorithm developed to predict the effect of missense changes on protein structure and function (PolyPhen-2) suggests that this variant is likely to be disruptive. In summary, the available evidence is currently insufficient to determine the role of this variant in disease. Therefore, it has been classified as a Variant of Uncertain Significance.

NM_145059.3(FCSK):c.2627A>G (p.Gln876Arg)

Gene: FCSK (fucose kinase; plus strand). Cytogenetic location: 16q22.1.
Variant type: single nucleotide variant.
Coding change: c.2627A>G on transcript NM_145059.3 (MANE Select); coding-DNA position 2627, A replaced by G.
Protein change: p.Gln876Arg; replaces glutamine 876 with arginine.
Molecular consequence: missense variant.
Genome position (GRCh38, 1-based): chr16:70,475,753, A>G. VCF-style: chr16-70475753-A-G. GRCh37 (hg19) VCF-style: chr16-70509656-A-G.
Other names: short protein forms Q876R.
Identifiers: ClinVar variation 2047391 (VCV002047391.4), dbSNP rs2507444029, ClinGen allele CA396574273.